The following is an entry in ClinVar:

ClinVar aggregate classification (germline): Conflicting classifications of pathogenicity. Review status: criteria provided, conflicting classifications (1 of 4 stars). 10 submissions from 8 submitters: Uncertain significance (7); Benign (2); Likely benign (1). Last evaluated 2026-01-27.

Conditions:
SPTA1-related disorder. Also called: SPTA1-related disorders; SPTA1-related condition.
Hereditary spherocytosis type 3. Also called: SPTA1-Related Spherocytosis; Spherocytosis type 3. Identifiers: Orphanet 822, MedGen C2678338, MONDO:0010053, OMIM 270970.
Pyropoikilocytosis, hereditary. Also called: Pyropoikilocytosis. Identifiers: MedGen C0520739, MONDO:0009948, OMIM 266140, HP:0004839. Disease mechanism: loss of function.
Elliptocytosis 2 (EL2). Also called: ELLIPTOCYTOSIS, RHESUS-UNLINKED TYPE. Identifiers: Orphanet 288, MedGen C1851741, MONDO:0007533, OMIM 130600.

Allele frequency attached by ClinVar (database versions not stated): 1000 Genomes Project 30x 0.00031; gnomAD 0.00039 and 0.00042; gnomAD exomes 0.00039 and 0.00082; 1000 Genomes Project 0.00040; TOPMed 0.00047; ESP Exome Variant Server 0.00058; ExAC 0.00080.

Submissions (10):

Labcorp Genetics (formerly Invitae), Labcorp
Classification: Benign. Last evaluated: 2026-01-27. Review status: criteria provided, single submitter. Criteria: Invitae Variant Classification Sherloc (09022015). Collection method: clinical testing. Allele origin: germline.

Mayo Clinic Laboratories, Mayo Clinic
Classification: Uncertain significance. Last evaluated: 2025-10-28. Review status: criteria provided, single submitter. Criteria: ACMG Guidelines, 2015. Collection method: clinical testing. Allele origin: germline. Observed: 7 variant alleles.
Comment: BS1, BP5, PM1

PreventionGenetics, part of Exact Sciences
Classification: Benign for SPTA1-related condition. Last evaluated: 2025-03-25. Review status: criteria provided, single submitter. Criteria: ACMG Guidelines, 2015. Collection method: clinical testing. Allele origin: germline.
Comment: This variant is classified as benign based on ACMG/AMP sequence variant interpretation guidelines (Richards et al. 2015 PMID: 25741868, with internal and published modifications).

CeGaT Center for Human Genetics Tuebingen
Classification: Likely benign. Last evaluated: 2025-01-01. Review status: criteria provided, single submitter. Criteria: CeGaT Center For Human Genetics Tuebingen Variant Classification Criteria Version 2. Collection method: clinical testing. Allele origin: germline. Affected: yes. Observed: 2 variant alleles.
Comment: SPTA1: BP4

Department of Pediatrics, Duzce University
Classification: Uncertain significance for Hereditary spherocytosis type 3. Last evaluated: 2024-02-12. Review status: criteria provided, single submitter. Criteria: ACMG Guidelines, 2015. Collection method: research. Allele origin: germline. Inheritance: Autosomal dominant inheritance. Affected: yes.
Comment: Missense variant p.(Val870Met) of uncertain significance. Rare in population databases (PM2_supporting); in silico predictions insufficient or conflicting; no adequate functional or segregation evidence. Applied ACMG/AMP criteria: PM2_supporting. Classification: Uncertain significance.

ARUP Laboratories, Molecular Genetics and Genomics, ARUP Laboratories
Classification: Uncertain significance. Last evaluated: 2018-07-02. Review status: criteria provided, single submitter. Criteria: ARUP Molecular Germline Variant Investigation Process. Collection method: clinical testing. Allele origin: germline.

Illumina Laboratory Services, Illumina
Classification: Uncertain significance for Hereditary spherocytosis type 3. Last evaluated: 2018-01-13. Review status: criteria provided, single submitter. Criteria: ICSL Variant Classification Criteria 13 December 2019. Collection method: clinical testing. Allele origin: germline.

Illumina Laboratory Services, Illumina
Classification: Uncertain significance for Elliptocytosis 2. Last evaluated: 2018-01-13. Review status: criteria provided, single submitter. Criteria: ICSL Variant Classification Criteria 13 December 2019. Collection method: clinical testing. Allele origin: germline.

Illumina Laboratory Services, Illumina
Classification: Uncertain significance for Pyropoikilocytosis, hereditary. Last evaluated: 2018-01-13. Review status: criteria provided, single submitter. Criteria: ICSL Variant Classification Criteria 13 December 2019. Collection method: clinical testing. Allele origin: germline.

Breakthrough Genomics
Classification: Uncertain significance. Review status: criteria provided, single submitter. Criteria: ACMG Guidelines, 2015. Collection method: not provided. Allele origin: germline. Inheritance: Autosomal recessive inheritance. Affected: yes.

Literature cited by the submitters: PubMed 29105823 (cited by Mayo Clinic Laboratories, Mayo Clinic); PubMed 32436265 (cited by Mayo Clinic Laboratories, Mayo Clinic).

NM_003126.4(SPTA1):c.2608G>A (p.Val870Met)

Gene: SPTA1 (spectrin alpha, erythrocytic 1; minus strand). Cytogenetic location: 1q23.1.
Variant type: single nucleotide variant.
Coding change: c.2608G>A on transcript NM_003126.4 (MANE Select); coding-DNA position 2608, G replaced by A.
Protein change: p.Val870Met; replaces valine 870 with methionine.
Molecular consequence: missense variant.
Genome position (GRCh38, 1-based): chr1:158,657,674, C>T on the plus strand (G>A on the coding strand, the complement: SPTA1 is on the minus strand). VCF-style: chr1-158657674-C-T. GRCh37 (hg19) VCF-style: chr1-158627464-C-T.
Other names: p.Val870Met; p.(Val870Met); short protein forms V870M.
Identifiers: ClinVar variation 811061 (VCV000811061.43), dbSNP rs140291959, ClinGen allele CA1183327.